The following is an entry in ClinVar:

ClinVar aggregate classification (germline): Likely pathogenic. Review status: criteria provided, multiple submitters, no conflicts (2 of 4 stars). 2 submissions from 2 submitters: Likely pathogenic (2). Last evaluated 2025-06-02.

Conditions:
Glycogen storage disease, type V (GSD5). Also called: McArdle type glycogen storage disease; MCARDLE DISEASE; MUSCLE GLYCOGEN PHOSPHORYLASE DEFICIENCY; MYOPHOSPHORYLASE DEFICIENCY; PYGM DEFICIENCY. Identifiers: Orphanet 368, MedGen C0017924, MONDO:0009293, OMIM 232600.

Submissions (2):

Myriad Genetics, Inc.
Classification: Likely pathogenic for Glycogen storage disease, type V. Last evaluated: 2025-06-02. Review status: criteria provided, single submitter. Criteria: Myriad Autosomal Dominant, Autosomal Recessive and X-Linked Classification Criteria (2023). Collection method: clinical testing. Allele origin: unknown.
Comment: NM_005609.2(PYGM):c.1970-1G>C is a variant in a canonical splice site classified as likely pathogenic in the context of glycogen storage disease, PYGM-related. c.1970-1G>C has not been observed in cases with relevant disease. Relevant functional assessments of this variant are not available in the literature. c.1970-1G>C has not been observed in referenced population frequency databases. In summary, NM_005609.2(PYGM):c.1970-1G>C is a variant in a canonical splice site in a gene where loss of function is a known mechanism of disease and is predicted to disrupt protein function. Please note: this variant was assessed in the context of healthy population screening.

Fulgent Genetics
Classification: Likely pathogenic for Glycogen storage disease, type V. Last evaluated: 2024-04-04. Review status: criteria provided, single submitter. Criteria: ACMG Guidelines, 2015. Collection method: clinical testing. Allele origin: germline.

NM_005609.4(PYGM):c.1970-1G>C

Gene: PYGM (glycogen phosphorylase, muscle associated; minus strand). Cytogenetic location: 11q13.1.
Variant type: single nucleotide variant.
Coding change: c.1970-1G>C on transcript NM_005609.4 (MANE Select); the canonical splice acceptor site of the intron before coding-DNA position 1970, G replaced by C.
Molecular consequence: splice acceptor variant.
Genome position (GRCh38, 1-based): chr11:64,750,584, C>G on the plus strand (G>C on the coding strand, the complement: PYGM is on the minus strand). VCF-style: chr11-64750584-C-G. GRCh37 (hg19) VCF-style: chr11-64518056-C-G.
Other names: c.1706-1G>C (NM_001164716.1).
Identifiers: ClinVar variation 3600032 (VCV003600032.2).